The following is an entry in ClinVar:

ClinVar aggregate classification (germline): Likely benign. Review status: reviewed by expert panel (3 of 4 stars). 3 submissions from 3 submitters: Likely benign (1). 2 of the submissions do not count toward it. Last evaluated 2024-09-10.

Conditions:
Hereditary thrombocytopenia and hematologic cancer predisposition syndrome. Identifiers: Orphanet 71290, MedGen CN281654, MONDO:0011071.
Inborn genetic diseases. Identifiers: MedGen C0950123, MeSH D030342.
Hereditary thrombocytopenia and hematological cancer predisposition syndrome associated with RUNX1. Also called: Familial Platelet Disorder with Propensity to Acute Myelogenous Leukemia; Familial thrombocytopenia with propensity to acute myelogenous leukemia; PLATELET DISORDER, ASPIRIN-LIKE; RUNX1 Familial Platelet Disorder with Associated Myeloid Malignancies. Identifiers: Orphanet 71290, MedGen C1832388, MeSH C563324, MONDO:0100083, OMIM 601399.

Allele frequency attached by ClinVar (database versions not stated): gnomAD exomes below 0.00001; TOPMed below 0.00001; ExAC 0.00001; gnomAD 0.00001.
gnomAD v4.1: 2 of 1,604,828 alleles (0.00012%); no homozygotes.

Submissions (3):

ClinGen Myeloid Malignancy Variant Curation Expert Panel
Classification: Likely benign for Hereditary thrombocytopenia and hematologic cancer predisposition syndrome. Last evaluated: 2024-09-10. Review status: reviewed by expert panel. Criteria: ClinGen MyeloMalig ACMG Specifications v2. Collection method: curation. Allele origin: germline. Inheritance: Autosomal dominant inheritance.
Comment: NM_001754.5(RUNX1):c.198C>G (p.Ala66=) is a synonymous variant which has a SpliceAI score ≤ 0.20 (0.02) (BP4). This variant has a SpliceAI score ≤ 0.20 (0.02) and evolutionary conservation algorithms predict the site as not being conserved (PhyloP score ≤ 2.0 (1.23) (BP7). In summary, this variant meets criteria to be classified as likely benign. ACMG/AMP criteria applied, as specified by the Myeloid Malignancy Variant Curation Expert Panel for RUNX1: BP4, BP7.

Ambry Genetics
Classification: Likely benign for Inborn genetic diseases. Last evaluated: 2026-01-20. Review status: criteria provided, single submitter. Criteria: Ambry Variant Classification Scheme 2023. Collection method: clinical testing. Allele origin: germline. Not counted in ClinVar's aggregate classification.

Labcorp Genetics (formerly Invitae), Labcorp
Classification: Likely benign for Hereditary thrombocytopenia and hematological cancer predisposition syndrome associated with RUNX1. Last evaluated: 2023-02-18. Review status: criteria provided, single submitter. Criteria: Invitae Variant Classification Sherloc (09022015). Collection method: clinical testing. Allele origin: germline. Not counted in ClinVar's aggregate classification.

NM_001754.5(RUNX1):c.198C>G (p.Ala66=)

Gene: RUNX1 (RUNX family transcription factor 1; minus strand). Cytogenetic location: 21q22.12.
Variant type: single nucleotide variant.
Coding change: c.198C>G on transcript NM_001754.5 (MANE Select); coding-DNA position 198, C replaced by G.
Protein change: p.Ala66=; no amino-acid change (alanine 66 retained).
Molecular consequence: synonymous variant.
Genome position (GRCh38, 1-based): chr21:34,886,996, G>C on the plus strand (C>G on the coding strand, the complement: RUNX1 is on the minus strand). VCF-style: chr21-34886996-G-C. GRCh37 (hg19) VCF-style: chr21-36259293-G-C.
Other names: NM_001754.5(RUNX1):c.198C>G; p.Ala66=; c.117C>G, p.Ala39= (NM_001001890.3, NM_001122607.2).
Identifiers: ClinVar variation 2063621 (VCV002063621.6), dbSNP rs772422281, ClinGen allele CA10014571.
Genomic context (GRCh38, chr21:34,886,996, plus strand): 5'-CGGGTGGTCGGCCAGCACCTCCACCATGCTGCGGTCGCCGCTCCTCAGCTTGCCGGCCAG[G>C]GCAGCGCCGGCGTCCGGGGCGCCCAGCGGCAACGCCTCGCTCATCTTGCCTGGGCTCAGC-3'
Protein context (NP_001745.2, residues 56-76): LPLGAPDAGA[Ala66=]LAGKLRSGDR